The following is an entry in ClinVar:

NM_012431.3(SEMA3E):c.1214C>T (p.Ala405Val)

Gene: SEMA3E (semaphorin 3E; minus strand). Cytogenetic location: 7q21.11.
Variant type: single nucleotide variant.
Coding change: c.1214C>T on transcript NM_012431.3 (MANE Select); coding-DNA position 1214, C replaced by T.
Protein change: p.Ala405Val; replaces alanine 405 with valine.
Molecular consequence: missense variant.
Genome position (GRCh38, 1-based): chr7:83,400,180, G>A on the plus strand (C>T on the coding strand, the complement: SEMA3E is on the minus strand). VCF-style: chr7-83400180-G-A. GRCh37 (hg19) VCF-style: chr7-83029496-G-A.
Other names: c.1034C>T, p.Ala345Val (NM_001178129.2); c.1214C>T (NM_012431.2); short protein forms A345V, A405V.
Identifiers: ClinVar variation 1414038 (VCV001414038.9), dbSNP rs1390797360, ClinGen allele CA367927649.

ClinVar aggregate classification (germline): Uncertain significance. Review status: criteria provided, multiple submitters, no conflicts (2 of 4 stars). 2 submissions from 2 submitters: Uncertain significance (2). Last evaluated 2026-09-17.

Conditions:
CHARGE syndrome (CHARGE). Also called: Hittner Hirsch Kreh syndrome; CHARGE ASSOCIATION--COLOBOMA, HEART ANOMALY, CHOANAL ATRESIA, RETARDATION, GENITAL AND EAR ANOMALIES; Coloboma, heart anomaly, choanal atresia, retardation, genital and ear anomalies; CHARGE association; Hall-Hittner syndrome. Identifiers: Orphanet 138, MedGen C0265354, MONDO:0008965.
SEMA3E-related disorder. Also called: SEMA3E-related condition.

Allele frequency attached by ClinVar (database versions not stated): gnomAD exomes below 0.00001 and 0.00001; TOPMed below 0.00001; gnomAD 0.00001.
gnomAD v4.1: 6 of 1,613,758 alleles (0.00037%); highest among the groups gnomAD compares: African/African-American, 0.0013%; no homozygotes.

Submissions (2):

PreventionGenetics, part of Exact Sciences
Classification: Uncertain significance for SEMA3E-related condition. Last evaluated: 2026-09-17. Review status: criteria provided, single submitter. Criteria: ACMG Guidelines, 2015. Collection method: clinical testing. Allele origin: germline.
Comment: The SEMA3E c.1214C>T variant is predicted to result in the amino acid substitution p.Ala405Val. To our knowledge, this variant has not been reported in the literature. This variant is reported in 0.0018% of alleles in individuals of European (Non-Finnish) descent in gnomAD. At this time, the clinical significance of this variant is uncertain due to the absence of conclusive functional and genetic evidence.

Labcorp Genetics (formerly Invitae), Labcorp
Classification: Uncertain significance for CHARGE syndrome. Last evaluated: 2024-10-21. Review status: criteria provided, single submitter. Criteria: Invitae Variant Classification Sherloc (09022015). Collection method: clinical testing. Allele origin: germline.
Comment: This sequence change replaces alanine, which is neutral and non-polar, with valine, which is neutral and non-polar, at codon 405 of the SEMA3E protein (p.Ala405Val). This variant is present in population databases (no rsID available, gnomAD 0.002%). This variant has not been reported in the literature in individuals affected with SEMA3E-related conditions. ClinVar contains an entry for this variant (Variation ID: 1414038). Invitae Evidence Modeling of protein sequence and biophysical properties (such as structural, functional, and spatial information, amino acid conservation, physicochemical variation, residue mobility, and thermodynamic stability) indicates that this missense variant is not expected to disrupt SEMA3E protein function with a negative predictive value of 80%. In summary, the available evidence is currently insufficient to determine the role of this variant in disease. Therefore, it has been classified as a Variant of Uncertain Significance.